The following is an entry in ClinVar:

ClinVar aggregate classification (germline): Pathogenic/Likely pathogenic. Review status: criteria provided, multiple submitters, no conflicts (2 of 4 stars). 2 submissions from 2 submitters: Pathogenic (1); Likely pathogenic (1). Last evaluated 2024-03-13.

Conditions:
VPS13A-related neurodegenerative disease. Also called: LEVINE-CRITCHLEY SYNDROME; Choreoacanthocytosis; Chorea-acanthocytosis; VPS13A Disease; ACANTHOCYTOSIS WITH NEUROLOGIC DISORDER; Choreaacanthocytosis. Identifiers: Orphanet 2388, MedGen C0393576, MONDO:0008695, OMIM 200150.

Submissions (2):

Fulgent Genetics
Classification: Likely pathogenic for VPS13A-related neurodegenerative disease. Last evaluated: 2024-03-13. Review status: criteria provided, single submitter. Criteria: ACMG Guidelines, 2015. Collection method: clinical testing. Allele origin: germline.

Labcorp Genetics (formerly Invitae), Labcorp
Classification: Pathogenic. Last evaluated: 2023-10-19. Review status: criteria provided, single submitter. Criteria: Invitae Variant Classification Sherloc (09022015). Collection method: clinical testing. Allele origin: germline.
Comment: This sequence change creates a premature translational stop signal (p.Trp1782*) in the VPS13A gene. It is expected to result in an absent or disrupted protein product. Loss-of-function variants in VPS13A are known to be pathogenic (PMID: 12404112, 21598378). This variant is not present in population databases (gnomAD no frequency). This variant has not been reported in the literature in individuals affected with VPS13A-related conditions. Algorithms developed to predict the effect of sequence changes on RNA splicing suggest that this variant may disrupt the consensus splice site. For these reasons, this variant has been classified as Pathogenic.

Literature cited by the submitters: PubMed 12404112 (cited by Labcorp Genetics (formerly Invitae), Labcorp); PubMed 21598378 (cited by Labcorp Genetics (formerly Invitae), Labcorp).

NM_033305.3(VPS13A):c.5345G>A (p.Trp1782Ter)

Gene: VPS13A (vacuolar protein sorting 13 homolog A; plus strand). Cytogenetic location: 9q21.2.
Variant type: single nucleotide variant.
Coding change: c.5345G>A on transcript NM_033305.3 (MANE Select); coding-DNA position 5345, G replaced by A.
Protein change: p.Trp1782Ter; replaces tryptophan 1782 with a stop codon.
Molecular consequence: nonsense.
Genome position (GRCh38, 1-based): chr9:77,319,603, G>A. VCF-style: chr9-77319603-G-A. GRCh37 (hg19) VCF-style: chr9-79934519-G-A.
Other names: c.5228G>A, p.Trp1743Ter (NM_001018037.2); c.5345G>A, p.Trp1782Ter (NM_001018038.3, NM_015186.4); short protein forms W1743*, W1782*.
Identifiers: ClinVar variation 2872166 (VCV002872166.4), dbSNP rs772171799, ClinGen allele CA373860983.